The following is an entry in ClinVar:

NM_000548.5(TSC2):c.2892A>T (p.Lys964Asn)

Gene: TSC2 (TSC complex subunit 2; plus strand). Cytogenetic location: 16p13.3.
Variant type: single nucleotide variant.
Coding change: c.2892A>T on transcript NM_000548.5 (MANE Select); coding-DNA position 2892, A replaced by T.
Protein change: p.Lys964Asn; replaces lysine 964 with asparagine.
Molecular consequence: missense variant. On other transcripts: intron variant (9).
Genome position (GRCh38, 1-based): chr16:2,077,652, A>T. VCF-style: chr16-2077652-A-T. GRCh37 (hg19) VCF-style: chr16-2127653-A-T.
Other names: c.2892A>T, p.Lys964Asn (NM_001114382.3, NM_001406663.1, NM_001406664.1); c.2781A>T, p.Lys927Asn (NM_001406670.1); c.2745A>T, p.Lys915Asn (NM_001406675.1, NM_001406676.1); c.2292A>T, p.Lys764Asn (NM_001406680.1, NM_001406682.1, NM_001406683.1 and 1 more transcripts); c.1548A>T, p.Lys516Asn (NM_001406689.1); c.2837+1067A>T (NM_021055.3, NM_001370405.1, NM_001363528.2 and 2 more transcripts); c.2726+1067A>T (NM_001318827.2); c.2237+1067A>T (NM_001318831.2); and 2 more; short protein forms K964N, K764N, K516N, K915N, K927N.
Identifiers: ClinVar variation 2130045 (VCV002130045.4), dbSNP rs1326171191, ClinGen allele CA394281088.

ClinVar aggregate classification (germline): Uncertain significance (1 of 4 stars; one submission).

Conditions:
Tuberous sclerosis 2 (TSC2). Identifiers: Orphanet 805, MedGen C1860707, MONDO:0013199, OMIM 613254.

Submission:

Labcorp Genetics (formerly Invitae), Labcorp
Classification: Uncertain significance for Tuberous sclerosis 2. Last evaluated: 2022-04-24. Review status: criteria provided, single submitter. Criteria: Invitae Variant Classification Sherloc (09022015). Collection method: clinical testing. Allele origin: germline.
Comment: This variant is not present in population databases (gnomAD no frequency). This sequence change replaces lysine, which is basic and polar, with asparagine, which is neutral and polar, at codon 964 of the TSC2 protein (p.Lys964Asn). This variant has not been reported in the literature in individuals affected with TSC2-related conditions. Advanced modeling of protein sequence and biophysical properties (such as structural, functional, and spatial information, amino acid conservation, physicochemical variation, residue mobility, and thermodynamic stability) performed at Invitae indicates that this missense variant is not expected to disrupt TSC2 protein function. Algorithms developed to predict the effect of sequence changes on RNA splicing suggest that this variant may disrupt the consensus splice site. In summary, the available evidence is currently insufficient to determine the role of this variant in disease. Therefore, it has been classified as a Variant of Uncertain Significance.